The following is an entry in ClinVar:

NM_017934.7(PHIP):c.4053+8T>A

Genes: IRAK1BP1 (interleukin 1 receptor associated kinase 1 binding protein 1; plus strand), PHIP (PHIP subunit of CUL4-Ring ligase complex; minus strand). Cytogenetic location: 6q14.1.
Variant type: single nucleotide variant.
Coding change: c.4053+8T>A on transcript NM_017934.7 (MANE Select); 8 bases into the intron after coding-DNA position 4053, T replaced by A.
Molecular consequence: intron variant.
Genome position (GRCh38, 1-based): chr6:78,954,806, A>T on the plus strand (T>A on the coding strand, the complement: PHIP is on the minus strand). VCF-style: chr6-78954806-A-T. GRCh37 (hg19) VCF-style: chr6-79664523-A-T.
Identifiers: ClinVar variation 3067317 (VCV003067317.23), dbSNP rs767431137, ClinGen allele CA3899540.
Genomic context (GRCh38, chr6:78,954,806, plus strand): 5'-AGCCAACTGTCATGTAAAAGGTATGTAGCAAACTGACAGGTAAAGAAAATATTTTCAAAA[A>T]TACTTACTGGATATTCAAGGAGATCTACCGGCTGACGGAAAGGCTCTGAATCTTCACATT-3'

ClinVar aggregate classification (germline): Likely benign. Review status: criteria provided, multiple submitters, no conflicts (2 of 4 stars). 2 submissions from 2 submitters: Likely benign (2). Last evaluated 2025-11-17.

Allele frequency attached by ClinVar (database versions not stated): ExAC 0.00003.
gnomAD v4.1: 12 of 1,562,386 alleles (0.00077%); highest among the groups gnomAD compares: Middle Eastern, 0.017%; no homozygotes.

Submissions (2):

Labcorp Genetics (formerly Invitae), Labcorp
Classification: Likely benign. Last evaluated: 2025-11-17. Review status: criteria provided, single submitter. Criteria: Invitae Variant Classification Sherloc (09022015). Collection method: clinical testing. Allele origin: germline.

CeGaT Center for Human Genetics Tuebingen
Classification: Likely benign. Last evaluated: 2024-03-01. Review status: criteria provided, single submitter. Criteria: CeGaT Center For Human Genetics Tuebingen Variant Classification Criteria Version 2. Collection method: clinical testing. Allele origin: germline. Affected: yes. Observed: 1 variant allele.
Comment: PHIP: BP4